The following is an entry in ClinVar:

ClinVar aggregate classification (germline): Uncertain significance (1 of 4 stars; one submission).

Conditions:
Holoprosencephaly 3 (HPE3). Identifiers: Orphanet 2162, MedGen C1840529, MONDO:0007733, OMIM 142945.

Allele frequency attached by ClinVar (database versions not stated): TOPMed below 0.00001; gnomAD 0.00001.
gnomAD v4.1: 1 of 152,200 alleles (0.00066%); highest among the groups gnomAD compares: Non-Finnish European, 0.0015%; no homozygotes.

Submission:

Labcorp Genetics (formerly Invitae), Labcorp
Classification: Uncertain significance for Holoprosencephaly 3. Last evaluated: 2023-06-09. Review status: criteria provided, single submitter. Criteria: Invitae Variant Classification Sherloc (09022015). Collection method: clinical testing. Allele origin: germline.
Comment: This variant occurs in a non-coding region of the SHH gene. It does not change the encoded amino acid sequence of the SHH protein. This variant is not present in population databases (gnomAD no frequency). This variant has not been reported in the literature in individuals affected with SHH-related conditions. Experimental studies and prediction algorithms are not available or were not evaluated, and the effect of this variant on mRNA splicing is currently unknown. In summary, the available evidence is currently insufficient to determine the role of this variant in disease. Therefore, it has been classified as a Variant of Uncertain Significance.

NC_000007.14:g.156795939T>C

Genes: LMBR1 (limb development membrane protein 1; minus strand), SHH (sonic hedgehog signaling molecule; minus strand). Cytogenetic location: 7q36.3.
Variant type: single nucleotide variant.
Molecular consequence: intron variant (on NM_022458.4).
Genome position: GRCh38 VCF-style: chr7-156795939-T-C. GRCh37 (hg19) VCF-style: chr7-156588633-T-C.
Other names: c.360+450A>G (NM_001363412.2); c.144+450A>G (NM_001350954.2); c.423+450A>G (NM_001363410.2, NM_022458.4, NM_001363409.2 and 1 more transcripts); c.-112+450A>G (NM_001350958.2, NM_001350956.2, NM_001350955.2 and 1 more transcripts); c.54+450A>G (NM_001350957.2, NM_001363411.2).
Identifiers: ClinVar variation 2796774 (VCV002796774.3), dbSNP rs1200205369, ClinGen allele CA835807051.